The following is an entry in ClinVar:

NM_001711.6(BGN):c.278C>T (p.Thr93Met)

Gene: BGN (biglycan; plus strand). Cytogenetic location: Xq28.
Variant type: single nucleotide variant.
Coding change: c.278C>T on transcript NM_001711.6 (MANE Select); coding-DNA position 278, C replaced by T.
Protein change: p.Thr93Met; replaces threonine 93 with methionine.
Molecular consequence: missense variant.
Genome position (GRCh38, 1-based): chrX:153,505,277, C>T. VCF-style: chrX-153505277-C-T. GRCh37 (hg19) VCF-style: chrX-152770735-C-T.
Other names: short protein forms T93M.
Identifiers: ClinVar variation 1796020 (VCV001796020.11), dbSNP rs138787321, ClinGen allele CA10547182.

ClinVar aggregate classification (germline): Conflicting classifications of pathogenicity. Review status: criteria provided, conflicting classifications (1 of 4 stars). 3 submissions from 3 submitters: Uncertain significance (2); Likely benign (1). Last evaluated 2025-12-01.

Conditions:
Cardiovascular phenotype. Identifiers: MedGen CN230736.

Allele frequency attached by ClinVar (database versions not stated): gnomAD exomes 0.00002; gnomAD 0.00004; ExAC 0.00005; TOPMed 0.00006; ESP Exome Variant Server 0.00009.
gnomAD v4.1: 22 of 1,208,187 alleles (0.0018%); highest among the groups gnomAD compares: African/African-American, 0.0088%; no homozygotes.

Submissions (3):

CeGaT Center for Human Genetics Tuebingen
Classification: Likely benign. Last evaluated: 2025-12-01. Review status: criteria provided, single submitter. Criteria: CeGaT Center For Human Genetics Tuebingen Variant Classification Criteria Version 2. Collection method: clinical testing. Allele origin: germline. Affected: yes. Observed: 2 variant alleles.
Comment: BGN: BP4, BS2

Labcorp Genetics (formerly Invitae), Labcorp
Classification: Uncertain significance. Last evaluated: 2024-11-13. Review status: criteria provided, single submitter. Criteria: Invitae Variant Classification Sherloc (09022015). Collection method: clinical testing. Allele origin: germline.
Comment: This sequence change replaces threonine, which is neutral and polar, with methionine, which is neutral and non-polar, at codon 93 of the BGN protein (p.Thr93Met). The frequency data for this variant in the population databases is considered unreliable, as metrics indicate poor data quality at this position in the gnomAD database. This variant has not been reported in the literature in individuals affected with BGN-related conditions. ClinVar contains an entry for this variant (Variation ID: 1796020). Invitae Evidence Modeling of protein sequence and biophysical properties (such as structural, functional, and spatial information, amino acid conservation, physicochemical variation, residue mobility, and thermodynamic stability) indicates that this missense variant is not expected to disrupt BGN protein function with a negative predictive value of 80%. In summary, the available evidence is currently insufficient to determine the role of this variant in disease. Therefore, it has been classified as a Variant of Uncertain Significance.

Ambry Genetics
Classification: Uncertain significance for Cardiovascular phenotype. Last evaluated: 2022-09-08. Review status: criteria provided, single submitter. Criteria: Ambry Variant Classification Scheme 2023. Collection method: clinical testing. Allele origin: germline.
Comment: The p.T93M variant (also known as c.278C>T), located in coding exon 2 of the BGN gene, results from a C to T substitution at nucleotide position 278. The threonine at codon 93 is replaced by methionine, an amino acid with similar properties. This amino acid position is conserved. In addition, this alteration is predicted to be tolerated by in silico analysis. Since supporting evidence is limited at this time, the clinical significance of this alteration remains unclear.